The following is an entry in ClinVar:

NM_020975.6(RET):c.887T>A (p.Leu296Gln)

Gene: RET (ret proto-oncogene; plus strand). Cytogenetic location: 10q11.21.
Variant type: single nucleotide variant.
Coding change: c.887T>A on transcript NM_020975.6 (MANE Select); coding-DNA position 887, T replaced by A.
Protein change: p.Leu296Gln; replaces leucine 296 with glutamine.
Molecular consequence: missense variant.
Genome position (GRCh38, 1-based): chr10:43,106,395, T>A. VCF-style: chr10-43106395-T-A. GRCh37 (hg19) VCF-style: chr10-43601843-T-A.
Other names: c.887T>A, p.Leu296Gln (NM_000323.2, NM_001406743.1, NM_001406744.1 and 6 more transcripts); c.125T>A, p.Leu42Gln (NM_001355216.2); c.758T>A, p.Leu253Gln (NM_001406761.1, NM_001406762.1, NM_001406764.1 and 1 more transcripts); c.599T>A, p.Leu200Gln (NM_001406766.1, NM_001406767.1, NM_001406770.1); short protein forms L253Q, L296Q, L200Q, L42Q.
Identifiers: ClinVar variation 1764966 (VCV001764966.2), dbSNP rs2538402556, ClinGen allele CA376545685.
Genomic context (GRCh38, chr10:43,106,395, plus strand): 5'-CCATCTCGCCTGCACTGACCAACGCCCTCTGCATCCTGCAGGACACCGTGGTGGCCACGC[T>A]GCGTGTCTTCGATGCAGACGTGGTACCTGCATCAGGGGAGCTGGTGAGGCGGTACACAAG-3'
Protein context (NP_066124.1, residues 286-306): KRKEDTVVAT[Leu296Gln]RVFDADVVPA

ClinVar aggregate classification (germline): Uncertain significance (1 of 4 stars; one submission).

Conditions:
Hereditary cancer-predisposing syndrome. Also called: Neoplastic Syndromes, Hereditary; Tumor predisposition; Hereditary Cancer Syndrome; Hereditary neoplastic syndrome. Identifiers: Orphanet 140162, MedGen C0027672, MeSH D009386, MONDO:0015356.

Submission:

Ambry Genetics
Classification: Uncertain significance for Hereditary cancer-predisposing syndrome. Last evaluated: 2022-06-07. Review status: criteria provided, single submitter. Criteria: Ambry Variant Classification Scheme 2023. Collection method: clinical testing. Allele origin: germline.
Comment: The p.L296Q variant (also known as c.887T>A), located in coding exon 5 of the RET gene, results from a T to A substitution at nucleotide position 887. The leucine at codon 296 is replaced by glutamine, an amino acid with dissimilar properties. This amino acid position is conserved. In addition, this alteration is predicted to be deleterious by in silico analysis. Since supporting evidence is limited at this time, the clinical significance of this alteration remains unclear.